The following is an entry in ClinVar:

ClinVar aggregate classification (germline): Uncertain significance (1 of 4 stars; one submission).

Conditions:
Noonan syndrome 4 (NS4). Also called: NOONAN SYNDROME WITH PIGMENTED VILLONODULAR SYNOVITIS; SOS1-Related Noonan Syndrome. Identifiers: Orphanet 648, MedGen C1853120, MONDO:0012547, OMIM 610733.
Fibromatosis, gingival, 1 (GINGF1). Identifiers: Orphanet 2024, MedGen C4551558, MONDO:0007609, OMIM 135300.

Submission:

Center for Genomics, Ann and Robert H. Lurie Children's Hospital of Chicago
Classification: Uncertain significance for Noonan syndrome 4; Fibromatosis, gingival, 1. Review status: criteria provided, single submitter. Criteria: ACMG Guidelines, 2015. Collection method: clinical testing. Allele origin: germline.
Comment: SOS1 NM_005633.3 exon 10 p.His460Arg (c.1379A>G): This variant has not been reported in the literature and is absent from large control databases. Evolutionary conservation and computational predictive tools suggest that this variant may impact the protein. In summary, data on this variant is insufficient for disease classification. Therefore, the clinical significance of this variant is uncertain.

NM_005633.4(SOS1):c.1379A>G (p.His460Arg)

Gene: SOS1 (SOS Ras/Rac guanine nucleotide exchange factor 1; minus strand). Cytogenetic location: 2p22.1.
Variant type: single nucleotide variant.
Coding change: c.1379A>G on transcript NM_005633.4 (MANE Select); coding-DNA position 1379, A replaced by G.
Protein change: p.His460Arg; replaces histidine 460 with arginine.
Molecular consequence: missense variant.
Genome position (GRCh38, 1-based): chr2:39,023,049, T>C on the plus strand (A>G on the coding strand, the complement: SOS1 is on the minus strand). VCF-style: chr2-39023049-T-C. GRCh37 (hg19) VCF-style: chr2-39250190-T-C.
Other names: c.1358A>G, p.His453Arg (NM_001382394.1); c.1379A>G, p.His460Arg (NM_001382395.1); short protein forms H453R, H460R.
Identifiers: ClinVar variation 2500090 (VCV002500090.2), dbSNP rs2529037433, ClinGen allele CA346366308.